The following is an entry in ClinVar:

NM_000932.5(PLCB3):c.3637G>A (p.Ala1213Thr)

Gene: PLCB3 (phospholipase C beta 3; plus strand). Cytogenetic location: 11q13.1.
Variant type: single nucleotide variant.
Coding change: c.3637G>A on transcript NM_000932.5 (MANE Select); coding-DNA position 3637, G replaced by A.
Protein change: p.Ala1213Thr; replaces alanine 1213 with threonine.
Molecular consequence: missense variant.
Genome position (GRCh38, 1-based): chr11:64,267,488, G>A. VCF-style: chr11-64267488-G-A. GRCh37 (hg19) VCF-style: chr11-64034960-G-A.
Other names: c.3436G>A, p.Ala1146Thr (NM_001184883.2); c.3637G>A, p.Ala1213Thr (NM_001316314.3); short protein forms A1146T, A1213T.
Identifiers: ClinVar variation 2641915 (VCV002641915.24), dbSNP rs146327074, ClinGen allele CA6072210.

ClinVar aggregate classification (germline): Likely benign (1 of 4 stars; one submission).

Allele frequency attached by ClinVar (database versions not stated): 1000 Genomes Project 30x 0.00031; 1000 Genomes Project 0.00040; gnomAD 0.00168; TOPMed 0.00174; ESP Exome Variant Server 0.00191.
gnomAD v4.1: 4,249 of 1,567,604 alleles (0.27%); highest among the groups gnomAD compares: Non-Finnish European, 0.34%; 11 homozygotes.

Submission:

CeGaT Center for Human Genetics Tuebingen
Classification: Likely benign. Last evaluated: 2023-10-01. Review status: criteria provided, single submitter. Criteria: CeGaT Center For Human Genetics Tuebingen Variant Classification Criteria Version 2. Collection method: clinical testing. Allele origin: germline. Affected: yes. Observed: 1 variant allele.
Comment: PLCB3: BP4